The following is an entry in ClinVar:

NM_000719.7(CACNA1C):c.2558T>C (p.Met853Thr)

Gene: CACNA1C (calcium voltage-gated channel subunit alpha1 C; plus strand). Cytogenetic location: 12p13.33.
Variant type: single nucleotide variant.
Coding change: c.2558T>C on transcript NM_000719.7 (MANE Select); coding-DNA position 2558, T replaced by C.
Protein change: p.Met853Thr; replaces methionine 853 with threonine.
Molecular consequence: missense variant.
Genome position (GRCh38, 1-based): chr12:2,593,240, T>C. VCF-style: chr12-2593240-T-C. GRCh37 (hg19) VCF-style: chr12-2702406-T-C.
Other names: c.2558T>C, p.Met853Thr (NM_001129837.2, NM_001129838.2, NM_001129839.2 and 18 more transcripts); c.2549T>C, p.Met850Thr (NM_001129844.2); short protein forms M850T, M853T.
Identifiers: ClinVar variation 2117864 (VCV002117864.4), dbSNP rs2516452038, ClinGen allele CA383372124.

ClinVar aggregate classification (germline): Uncertain significance (1 of 4 stars; one submission).

Conditions:
Long QT syndrome (LQTS). Identifiers: MedGen C0023976, MeSH D008133, MONDO:0002442. Disease mechanism: loss of function. Inheritance: Various modes of inheritance.

gnomAD v4.1: 1 of 1,613,816 alleles (0.000062%); highest among the groups gnomAD compares: Non-Finnish European, 0.000085%; no homozygotes.

Submission:

Labcorp Genetics (formerly Invitae), Labcorp
Classification: Uncertain significance for Long QT syndrome. Last evaluated: 2025-10-29. Review status: criteria provided, single submitter. Criteria: Invitae Variant Classification Sherloc (09022015). Collection method: clinical testing. Allele origin: germline.
Comment: This sequence change replaces methionine, which is neutral and non-polar, with threonine, which is neutral and polar, at codon 853 of the CACNA1C protein (p.Met853Thr). This variant is not present in population databases (gnomAD no frequency). This variant has not been reported in the literature in individuals affected with CACNA1C-related conditions. ClinVar contains an entry for this variant (Variation ID: 2117864). Invitae Evidence Modeling of protein sequence and biophysical properties (such as structural, functional, and spatial information, amino acid conservation, physicochemical variation, residue mobility, and thermodynamic stability) indicates that this missense variant is not expected to disrupt CACNA1C protein function with a negative predictive value of 95%. In summary, the available evidence is currently insufficient to determine the role of this variant in disease. Therefore, it has been classified as a Variant of Uncertain Significance.